The following is an entry in ClinVar:

NM_006361.6(HOXB13):c.301G>A (p.Ala101Thr)

Gene: HOXB13 (homeobox B13; minus strand). Cytogenetic location: 17q21.32.
Variant type: single nucleotide variant.
Coding change: c.301G>A on transcript NM_006361.6 (MANE Select); coding-DNA position 301, G replaced by A.
Protein change: p.Ala101Thr; replaces alanine 101 with threonine.
Molecular consequence: missense variant.
Genome position (GRCh38, 1-based): chr17:48,728,293, C>T on the plus strand (G>A on the coding strand, the complement: HOXB13 is on the minus strand). VCF-style: chr17-48728293-C-T. GRCh37 (hg19) VCF-style: chr17-46805655-C-T.
Other names: short protein forms A101T.
Identifiers: ClinVar variation 690705 (VCV000690705.4), dbSNP rs1597934558, ClinGen allele CA400107736.

ClinVar aggregate classification (germline): Uncertain significance. Review status: criteria provided, single submitter (1 of 4 stars). 2 submissions from 2 submitters: Uncertain significance (1). 1 of the submissions does not count toward it. Last evaluated 2024-02-29.

Conditions:
Prostate cancer, hereditary, 1 (HPC1). Identifiers: Orphanet 1331, MedGen C4722327, MONDO:0011098, OMIM 601518.

Submissions (2):

Labcorp Genetics (formerly Invitae), Labcorp
Classification: Uncertain significance. Last evaluated: 2024-02-29. Review status: criteria provided, single submitter. Criteria: Invitae Variant Classification Sherloc (09022015). Collection method: clinical testing. Allele origin: germline.
Comment: This sequence change replaces alanine, which is neutral and non-polar, with threonine, which is neutral and polar, at codon 101 of the HOXB13 protein (p.Ala101Thr). This variant is not present in population databases (gnomAD no frequency). This variant has not been reported in the literature in individuals affected with HOXB13-related conditions. ClinVar contains an entry for this variant (Variation ID: 690705). Advanced modeling of protein sequence and biophysical properties (such as structural, functional, and spatial information, amino acid conservation, physicochemical variation, residue mobility, and thermodynamic stability) performed at Invitae indicates that this missense variant is not expected to disrupt HOXB13 protein function with a negative predictive value of 80%. In summary, the available evidence is currently insufficient to determine the role of this variant in disease. Therefore, it has been classified as a Variant of Uncertain Significance.

Laboratory of Virology, Microbiology,  Quality and Medical Biotechnologies, Faculty of Sciences and Techniques - Mohammedia, Hassan II University of Casablanca
Classification: Uncertain significance for Prostate cancer, hereditary, 1. Review status: no assertion criteria provided. Collection method: clinical testing. Allele origin: somatic. Affected: yes. Not counted in ClinVar's aggregate classification.